The following is an entry in ClinVar:

NM_016284.5(CNOT1):c.7114G>A (p.Gly2372Arg)

Genes: CNOT1 (CCR4-NOT transcription complex subunit 1; minus strand), SETD6 (SET domain containing 6, protein lysine methyltransferase; plus strand). Cytogenetic location: 16q21.
Variant type: single nucleotide variant.
Coding change: c.7114G>A on transcript NM_016284.5 (MANE Select); coding-DNA position 7114, G replaced by A.
Protein change: p.Gly2372Arg; replaces glycine 2372 with arginine.
Molecular consequence: missense variant. On other transcripts: non-coding transcript variant (1), 3 prime UTR variant (1).
Genome position (GRCh38, 1-based): chr16:58,520,975, C>T on the plus strand (G>A on the coding strand, the complement: CNOT1 is on the minus strand). VCF-style: chr16-58520975-C-T. GRCh37 (hg19) VCF-style: chr16-58554879-C-T.
Other names: c.7099G>A, p.Gly2367Arg (NM_001265612.2); c.*1946C>T (NM_001160305.4); short protein forms G2367R, G2372R.
Identifiers: ClinVar variation 5020232 (VCV005020232.1).

ClinVar aggregate classification (germline): Uncertain significance (1 of 4 stars; one submission).

Submission:

Dasa
Classification: Uncertain significance. Last evaluated: 2026-07-06. Review status: criteria provided, single submitter. Criteria: DASA Assertion Criteria. Collection method: clinical testing. Allele origin: germline.
Comment: NM_016284.5(CNOT1):c.7114G>A (p.Gly2372Arg) is a missense variant that results in the substitution of glycine with arginine. This variant is rare in population databases. The currently available literature and clinical evidence are not sufficient to establish a definitive association between this variant and the reported condition. Therefore, this variant is classified as a variant of uncertain significance.